The following is an entry in ClinVar:

ClinVar aggregate classification (germline): Benign (1 of 4 stars; one submission).

Allele frequency attached by ClinVar (database versions not stated): gnomAD 0.18747 and 0.19132; TOPMed 0.19872; 1000 Genomes Project 30x 0.24813; 1000 Genomes Project 0.25280.
gnomAD v4.1: 28,983 of 152,040 alleles (19%); highest among the groups gnomAD compares: East Asian, 43%; 3,063 homozygotes.

Submission:

GeneDx
Classification: Benign. Last evaluated: 2018-06-18. Review status: criteria provided, single submitter. Criteria: GeneDx Variant Classification (06012015). Collection method: clinical testing. Allele origin: germline. Affected: yes.
Comment: This variant is considered likely benign or benign based on one or more of the following criteria: it is a conservative change, it occurs at a poorly conserved position in the protein, it is predicted to be benign by multiple in silico algorithms, and/or has population frequency not consistent with disease.

NM_007078.3(LDB3):c.93+177C>T

Gene: LDB3 (LIM domain binding 3; plus strand). Cytogenetic location: 10q23.2.
Variant type: single nucleotide variant.
Coding change: c.93+177C>T on transcript NM_007078.3 (MANE Select); 177 bases into the intron after coding-DNA position 93, C replaced by T.
Molecular consequence: intron variant.
Genome position (GRCh38, 1-based): chr10:86,668,961, C>T. VCF-style: chr10-86668961-C-T. GRCh37 (hg19) VCF-style: chr10-88428718-C-T.
Other names: c.93+177C>T (NM_001368064.1, NM_001368063.1, NM_001368068.1 and 8 more transcripts).
Identifiers: ClinVar variation 672746 (VCV000672746.1), dbSNP rs3740342, ClinGen allele CA13294402.